The following is an entry in ClinVar:

NM_001845.6(COL4A1):c.2125C>A (p.Pro709Thr)

Gene: COL4A1 (collagen type IV alpha 1 chain; minus strand). Cytogenetic location: 13q34.
Variant type: single nucleotide variant.
Coding change: c.2125C>A on transcript NM_001845.6 (MANE Select); coding-DNA position 2125, C replaced by A.
Protein change: p.Pro709Thr; replaces proline 709 with threonine.
Molecular consequence: missense variant.
Genome position (GRCh38, 1-based): chr13:110,181,360, G>T on the plus strand (C>A on the coding strand, the complement: COL4A1 is on the minus strand). VCF-style: chr13-110181360-G-T. GRCh37 (hg19) VCF-style: chr13-110833707-G-T.
Other names: short protein forms P709T.
Identifiers: ClinVar variation 1713873 (VCV001713873.5), dbSNP rs1164388777, ClinGen allele CA388668966.
Genomic context (GRCh38, chr13:110,181,360, plus strand): 5'-CCTGCACACCTGGGTTCCCAGGTAAGCCATTAAATCCCGGGCGACCTGGAGTCCCCGGTG[G>T]CCCCATGTCTCCAGGTAAGCCGTCAACACCTGTTTTAAAGAGTCAAAAAAAAAAAACAAA-3'
Protein context (NP_001836.3, residues 699-719): GVDGLPGDMG[Pro709Thr]PGTPGRPGFN

ClinVar aggregate classification (germline): Uncertain significance (1 of 4 stars; one submission).

Submission:

Labcorp Genetics (formerly Invitae), Labcorp
Classification: Uncertain significance. Last evaluated: 2024-10-22. Review status: criteria provided, single submitter. Criteria: Invitae Variant Classification Sherloc (09022015). Collection method: clinical testing. Allele origin: germline.
Comment: This sequence change replaces proline, which is neutral and non-polar, with threonine, which is neutral and polar, at codon 709 of the COL4A1 protein (p.Pro709Thr). This variant is not present in population databases (gnomAD no frequency). This variant has not been reported in the literature in individuals affected with COL4A1-related conditions. ClinVar contains an entry for this variant (Variation ID: 1713873). Invitae Evidence Modeling of protein sequence and biophysical properties (such as structural, functional, and spatial information, amino acid conservation, physicochemical variation, residue mobility, and thermodynamic stability) indicates that this missense variant is not expected to disrupt COL4A1 protein function with a negative predictive value of 95%. In summary, the available evidence is currently insufficient to determine the role of this variant in disease. Therefore, it has been classified as a Variant of Uncertain Significance.